The following is an entry in ClinVar:

ClinVar aggregate classification (germline): Conflicting classifications of pathogenicity. Review status: criteria provided, conflicting classifications (1 of 4 stars). 2 submissions from 2 submitters: Uncertain significance (1); Likely benign (1). Last evaluated 2025-06-13.

Conditions:
Hereditary nonpolyposis colorectal neoplasms. Identifiers: MedGen C0009405, MeSH D003123.
Hereditary cancer-predisposing syndrome. Also called: Neoplastic Syndromes, Hereditary; Hereditary Cancer Syndrome; Tumor predisposition; Hereditary neoplastic syndrome. Identifiers: Orphanet 140162, MedGen C0027672, MeSH D009386, MONDO:0015356.

gnomAD v4.1: 1 of 1,614,016 alleles (0.000062%); highest among the groups gnomAD compares: Non-Finnish European, 0.000085%; no homozygotes.

Submissions (2):

Ambry Genetics
Classification: Uncertain significance for Hereditary cancer-predisposing syndrome. Last evaluated: 2025-06-13. Review status: criteria provided, single submitter. Criteria: Ambry Variant Classification Scheme 2023. Collection method: clinical testing. Allele origin: germline.
Comment: The p.S806F variant (also known as c.2417C>T), located in coding exon 4 of the MSH6 gene, results from a C to T substitution at nucleotide position 2417. The serine at codon 806 is replaced by phenylalanine, an amino acid with highly dissimilar properties. This amino acid position is not well conserved in available vertebrate species. In addition, the in silico prediction for this alteration is inconclusive. Since supporting evidence is limited at this time, the clinical significance of this alteration remains unclear.

Labcorp Genetics (formerly Invitae), Labcorp
Classification: Likely benign for Hereditary nonpolyposis colorectal neoplasms. Last evaluated: 2024-10-16. Review status: criteria provided, single submitter. Criteria: Invitae Variant Classification Sherloc (09022015). Collection method: clinical testing. Allele origin: germline.

NM_000179.3(MSH6):c.2417C>T (p.Ser806Phe)

Gene: MSH6 (mutS homolog 6; plus strand). Cytogenetic location: 2p16.3.
Variant type: single nucleotide variant.
Coding change: c.2417C>T on transcript NM_000179.3 (MANE Select); coding-DNA position 2417, C replaced by T.
Protein change: p.Ser806Phe; replaces serine 806 with phenylalanine.
Molecular consequence: missense variant.
Genome position (GRCh38, 1-based): chr2:47,800,400, C>T. VCF-style: chr2-47800400-C-T. GRCh37 (hg19) VCF-style: chr2-48027539-C-T.
Other names: c.2027C>T, p.Ser676Phe (NM_001281492.2); c.1511C>T, p.Ser504Phe (NM_001281493.2, NM_001281494.2); short protein forms S806F, S676F, S504F.
Identifiers: ClinVar variation 581776 (VCV000581776.11), dbSNP rs372990379, ClinGen allele CA346754006.